The following is an entry in ClinVar:

ClinVar aggregate classification (germline): Benign/Likely benign. Review status: criteria provided, multiple submitters, no conflicts (2 of 4 stars). 6 submissions from 6 submitters: Benign (5); Likely benign (1). Last evaluated 2026-02-04.

Conditions:
Osteogenesis imperfecta type 13. Also called: OI, TYPE XIII; Osteogenesis imperfecta, type xiii. Identifiers: Orphanet 666, MedGen C3553887, MONDO:0013924, OMIM 614856.

Allele frequency attached by ClinVar (database versions not stated): ExAC 0.05025; 1000 Genomes Project 0.05032; 1000 Genomes Project 30x 0.05231; TOPMed 0.06861; gnomAD 0.07088; ESP Exome Variant Server 0.07675.
gnomAD v4.1: 92,273 of 1,613,630 alleles (5.7%); highest among the groups gnomAD compares: African/African-American, 11%; 2,943 homozygotes.

Submissions (6):

Labcorp Genetics (formerly Invitae), Labcorp
Classification: Benign. Last evaluated: 2026-02-04. Review status: criteria provided, single submitter. Criteria: Invitae Variant Classification Sherloc (09022015). Collection method: clinical testing. Allele origin: germline.

Blueprint Genetics
Classification: Likely benign. Last evaluated: 2024-11-27. Review status: criteria provided, single submitter. Criteria: ACMG Guidelines, 2015. Collection method: clinical testing. Allele origin: germline.

Mayo Clinic Laboratories, Mayo Clinic
Classification: Benign. Last evaluated: 2022-04-26. Review status: criteria provided, single submitter. Criteria: ACMG Guidelines, 2015. Collection method: clinical testing. Allele origin: germline. Observed: 24 variant alleles.

Illumina Laboratory Services, Illumina
Classification: Benign for Osteogenesis imperfecta type 13. Last evaluated: 2018-01-13. Review status: criteria provided, single submitter. Criteria: ICSL Variant Classification Criteria 13 December 2019. Collection method: clinical testing. Allele origin: germline.
Comment: This variant was observed in the ICSL laboratory as part of a predisposition screen in an ostensibly healthy population. It had not been previously curated by ICSL or reported in the Human Gene Mutation Database (HGMD: prior to June 1st, 2018), and was therefore a candidate for classification through an automated scoring system. Utilizing variant allele frequency, disease prevalence and penetrance estimates, and inheritance mode, an automated score was calculated to assess if this variant is too frequent to cause the disease. Based on the score and internal cut-off values, a variant classified as benign is not then subjected to further curation. The score for this variant resulted in a classification of benign for this disease.

GeneDx
Classification: Benign. Last evaluated: 2017-08-30. Review status: criteria provided, single submitter. Criteria: GeneDx Variant Classification (06012015). Collection method: clinical testing. Allele origin: germline. Affected: yes.
Comment: This variant is considered likely benign or benign based on one or more of the following criteria: it is a conservative change, it occurs at a poorly conserved position in the protein, it is predicted to be benign by multiple in silico algorithms, and/or has population frequency not consistent with disease.

Breakthrough Genomics
Classification: Benign. Review status: criteria provided, single submitter. Criteria: ACMG Guidelines, 2015. Collection method: not provided. Allele origin: germline. Inheritance: Autosomal recessive inheritance. Affected: yes.

NM_006129.5(BMP1):c.2155G>A (p.Val719Ile)

Gene: BMP1 (bone morphogenetic protein 1; plus strand). Cytogenetic location: 8p21.3.
Variant type: single nucleotide variant.
Coding change: c.2155G>A on transcript NM_006129.5 (MANE Select); coding-DNA position 2155, G replaced by A.
Protein change: p.Val719Ile; replaces valine 719 with isoleucine.
Molecular consequence: missense variant. On other transcripts: non-coding transcript variant (1).
Genome position (GRCh38, 1-based): chr8:22,201,850, G>A. VCF-style: chr8-22201850-G-A. GRCh37 (hg19) VCF-style: chr8-22059363-G-A.
Other names: short protein forms V719I.
Identifiers: ClinVar variation 362592 (VCV000362592.15), dbSNP rs11996036, ClinGen allele CA4665138.